The following is an entry in ClinVar:

ClinVar aggregate classification (germline): Uncertain significance (1 of 4 stars; one submission).

gnomAD v4.1: 2 of 1,578,148 alleles (0.00013%); highest among the groups gnomAD compares: African/African-American, 0.0027%; no homozygotes.

Submission:

Women's Health and Genetics/Laboratory Corporation of America, LabCorp
Classification: Uncertain significance. Last evaluated: 2025-04-04. Review status: criteria provided, single submitter. Criteria: LabCorp Variant Classification Summary - May 2015. Collection method: clinical testing. Allele origin: germline.
Comment: Variant summary: OTOF c.*20G>T is located in the untranslated mRNA region downstream of the termination codon. This variant is also annotated as OTOF NM_194323.3 c.3515G>T (p.Arg1172Leu) and results in a non-conservative amino acid change in the encoded protein sequence. The variant was absent in 184120 control chromosomes. The available data on variant occurrences in the general population are insufficient to allow any conclusion about variant significance. To our knowledge, no occurrence of this variant in individuals affected with Nonsyndromic Hearing Loss And Deafness, Type 9 and no experimental evidence demonstrating its impact on protein function have been reported. No submitters have cited clinical-significance assessments for this variant to ClinVar. Based on the evidence outlined above, the variant was classified as uncertain significance.

NM_194323.3(OTOF):c.3515G>T (p.Arg1172Leu)

Gene: OTOF (otoferlin; minus strand). Cytogenetic location: 2p23.3.
Variant type: single nucleotide variant.
Coding change: c.3515G>T on transcript NM_194323.3 (MANE Plus Clinical); coding-DNA position 3515, G replaced by T.
Protein change: p.Arg1172Leu; replaces arginine 1172 with leucine.
Molecular consequence: missense variant. On other transcripts: 3 prime UTR variant (3).
Genome position (GRCh38, 1-based): chr2:26,458,218, C>A on the plus strand (G>T on the coding strand, the complement: OTOF is on the minus strand). VCF-style: chr2-26458218-C-A. GRCh37 (hg19) VCF-style: chr2-26681086-C-A.
Other names: c.5816G>T, p.Arg1939Leu (NM_001287489.2); c.*20G>T (NM_004802.4, NM_194248.3, NM_194322.3); short protein forms R1172L, R1939L.
Identifiers: ClinVar variation 3896473 (VCV003896473.2).